The following is an entry in ClinVar:

ClinVar aggregate classification (germline): Conflicting classifications of pathogenicity. Review status: criteria provided, conflicting classifications (1 of 4 stars). 6 submissions from 6 submitters: Uncertain significance (2); Benign (2); Likely benign (1). 1 of the submissions does not count toward it. Last evaluated 2025-05-18.

Conditions:
Inborn genetic diseases. Identifiers: MedGen C0950123, MeSH D030342.
LRTOMT-related disorder. Also called: LRTOMT-related condition.
Autosomal recessive nonsyndromic hearing loss 63. Identifiers: Orphanet 90636, MedGen C1969621, MONDO:0012670, OMIM 611451.

Allele frequency attached by ClinVar (database versions not stated): 1000 Genomes Project 0.00260; TOPMed 0.00013; gnomAD exomes 0.00139; ExAC 0.00376; gnomAD 0.00002 and 0.00040; 1000 Genomes Project 30x 0.00297.
gnomAD v4.1: 869 of 1,542,694 alleles (0.056%); highest among the groups gnomAD compares: South Asian, 0.95%; 9 homozygotes.

Submissions (6):

Ambry Genetics
Classification: Uncertain significance for Inborn genetic diseases. Last evaluated: 2025-05-18. Review status: criteria provided, single submitter. Criteria: Ambry Variant Classification Scheme 2023. Collection method: clinical testing. Allele origin: germline.

Labcorp Genetics (formerly Invitae), Labcorp
Classification: Benign. Last evaluated: 2024-10-25. Review status: criteria provided, single submitter. Criteria: Invitae Variant Classification Sherloc (09022015). Collection method: clinical testing. Allele origin: germline.

Blueprint Genetics
Classification: Likely benign. Last evaluated: 2024-10-15. Review status: criteria provided, single submitter. Criteria: ACMG Guidelines, 2015. Collection method: clinical testing. Allele origin: germline.

GeneDx
Classification: Benign. Last evaluated: 2020-03-19. Review status: criteria provided, single submitter. Criteria: GeneDx Variant Classification Process June 2021. Collection method: clinical testing. Allele origin: germline. Affected: yes.

Illumina Laboratory Services, Illumina
Classification: Uncertain significance for Autosomal recessive nonsyndromic hearing loss 63. Last evaluated: 2018-01-13. Review status: criteria provided, single submitter. Criteria: ICSL Variant Classification Criteria 13 December 2019. Collection method: clinical testing. Allele origin: germline.

PreventionGenetics, part of Exact Sciences
Classification: Benign for LRTOMT-related condition. Last evaluated: 2024-04-10. Review status: no assertion criteria provided. Collection method: clinical testing. Allele origin: germline. Not counted in ClinVar's aggregate classification.
Comment: This variant is classified as benign based on ACMG/AMP sequence variant interpretation guidelines (Richards et al. 2015 PMID: 25741868, with internal and published modifications).

NM_001145308.5(LRTOMT):c.503C>T (p.Thr168Met)

Genes: ANAPC15 (anaphase promoting complex subunit 15; minus strand), LRTOMT (leucine rich transmembrane and O-methyltransferase domain containing; plus strand), TOMT (transmembrane O-methyltransferase; plus strand). Cytogenetic location: 11q13.4.
Variant type: single nucleotide variant.
Coding change: c.503C>T on transcript NM_001145308.5; coding-DNA position 503, C replaced by T.
Protein change: p.Thr168Met; replaces threonine 168 with methionine.
Molecular consequence: missense variant. On other transcripts: intron variant (7), 3 prime UTR variant (3), non-coding transcript variant (1).
Genome position (GRCh38, 1-based): chr11:72,108,067, C>T. VCF-style: chr11-72108067-C-T. GRCh37 (hg19) VCF-style: chr11-71819113-C-T.
Other names: c.319-462G>A (NM_001393430.1, NM_001393429.1, NM_001393428.1 and 3 more transcripts); c.404C>T, p.Thr135Met (NM_001393500.2); c.503C>T, p.Thr168Met (NM_001145309.4); c.383C>T, p.Thr128Met (NM_001145310.4); c.*752G>A (NM_001393443.1, NM_001393444.1, NM_001393445.1); c.64-462G>A (NM_001393459.1); short protein forms T168M, T128M, T135M.
Identifiers: ClinVar variation 305994 (VCV000305994.19), dbSNP rs537610140, ClinGen allele CA6168617.